The following is an entry in ClinVar:

ClinVar aggregate classification (germline): Likely pathogenic (1 of 4 stars; one submission).

Submission:

GeneDx
Classification: Likely pathogenic. Last evaluated: 2017-08-18. Review status: criteria provided, single submitter. Criteria: GeneDx Variant Classification (06012015). Collection method: clinical testing. Allele origin: germline. Affected: yes.
Comment: The K173I variant in the STAT1 gene has not been reported previously as a pathogenic variant, nor as a benign variant, to our knowledge. The K173I variant is not observed in large population cohorts (Lek et al., 2016; 1000 Genomes Consortium et al., 2015; Exome Variant Server). The K173I variant is a non-conservative amino acid substitution, which is likely to impact secondary protein structure as these residues differ in polarity, charge, size and/or other properties. This substitution occurs at a position that is conserved in mammals. In silico analysis predicts this variant is probably damaging to the protein structure/function. Missense variants in nearby residues (D168E, Y170N, D171N, F172L, C174R) have been reported in the Human Gene Mutation Database in association with chronic mucocutaneous candidiasis (Stenson et al., 2014), supporting the functional importance of this region of the protein. We interpret K173I as a likely pathogenic variant.

NM_007315.4(STAT1):c.518A>T (p.Lys173Ile)

Gene: STAT1 (signal transducer and activator of transcription 1; minus strand). Cytogenetic location: 2q32.2.
Variant type: single nucleotide variant.
Coding change: c.518A>T on transcript NM_007315.4 (MANE Select); coding-DNA position 518, A replaced by T.
Protein change: p.Lys173Ile; replaces lysine 173 with isoleucine.
Molecular consequence: missense variant.
Genome position (GRCh38, 1-based): chr2:190,999,649, T>A on the plus strand (A>T on the coding strand, the complement: STAT1 is on the minus strand). VCF-style: chr2-190999649-T-A. GRCh37 (hg19) VCF-style: chr2-191864375-T-A.
Other names: c.518A>T, p.Lys173Ile (NM_001384880.1, NM_001384882.1, NM_001384885.1 and 5 more transcripts); c.524A>T, p.Lys175Ile (NM_001384881.1, NM_001384884.1); c.511A>T, p.Asn171Tyr (NM_001384883.1); c.428A>T, p.Lys143Ile (NM_001384890.1); c.554A>T, p.Lys185Ile (NM_001384891.1); short protein forms K173I, K143I, K175I, K185I, N171Y.
Identifiers: ClinVar variation 451429 (VCV000451429.2), dbSNP rs1553497886, ClinGen allele CA349924383.